The following is an entry in ClinVar:

ClinVar aggregate classification (germline): Likely benign. Review status: criteria provided, multiple submitters, no conflicts (2 of 4 stars). 2 submissions from 2 submitters: Likely benign (2). Last evaluated 2025-06-06.

Allele frequency attached by ClinVar (database versions not stated): ExAC 0.00001; gnomAD 0.00001.
gnomAD v4.1: 23 of 1,611,594 alleles (0.0014%); highest among the groups gnomAD compares: East Asian, 0.04%; no homozygotes.

Submissions (2):

Labcorp Genetics (formerly Invitae), Labcorp
Classification: Likely benign. Last evaluated: 2025-06-06. Review status: criteria provided, single submitter. Criteria: Invitae Variant Classification Sherloc (09022015). Collection method: clinical testing. Allele origin: germline.

Women's Health and Genetics/Laboratory Corporation of America, LabCorp
Classification: Likely benign. Last evaluated: 2024-11-01. Review status: criteria provided, single submitter. Criteria: LabCorp Variant Classification Summary - May 2015. Collection method: clinical testing. Allele origin: germline.
Comment: Variant summary: DVL3 c.1680C>T alters a conserved nucleotide resulting in a synonymous change. Consensus agreement among computation tools predict no significant impact on normal splicing. However, these predictions have yet to be confirmed by functional studies. The variant allele was found at a frequency of 8.3e-06 in 241084 control chromosomes (gnomAD). The available data on variant occurrences in the general population are insufficient to allow any conclusion about variant significance. To our knowledge, no occurrence of c.1680C>T in individuals affected with Autosomal Dominant Robinow Syndrome 3 and no experimental evidence demonstrating its impact on protein function have been reported. ClinVar contains an entry for this variant (Variation ID: 2741215). Based on the evidence outlined above, the variant was classified as likely benign.

NM_004423.4(DVL3):c.1680C>T (p.Tyr560=)

Gene: DVL3 (dishevelled segment polarity protein 3; plus strand). Cytogenetic location: 3q27.1.
Variant type: single nucleotide variant.
Coding change: c.1680C>T on transcript NM_004423.4 (MANE Select); coding-DNA position 1680, C replaced by T.
Protein change: p.Tyr560=; no amino-acid change (tyrosine 560 retained).
Molecular consequence: synonymous variant.
Genome position (GRCh38, 1-based): chr3:184,170,187, C>T. VCF-style: chr3-184170187-C-T. GRCh37 (hg19) VCF-style: chr3-183887975-C-T.
Identifiers: ClinVar variation 2741215 (VCV002741215.4), dbSNP rs746879137, ClinGen allele CA2727486.